The following is an entry in ClinVar:

NM_005157.6(ABL1):c.2636del (p.Lys879fs)

Gene: ABL1 (ABL proto-oncogene 1, non-receptor tyrosine kinase; plus strand). Cytogenetic location: 9q34.12.
Variant type: Deletion.
Coding change: c.2636del on transcript NM_005157.6 (MANE Select); coding-DNA position 2636, one base deleted (A; older notation c.2636delA).
Protein change: p.Lys879fs; shifts the reading frame from lysine 879.
Molecular consequence: frameshift variant.
Genome position (GRCh38, 1-based): chr9:130,884,926, A deleted; the last of 2 consecutive A bases (chr9:130,884,925-130,884,926); deleting either gives the same sequence. VCF-style (leftmost placement, unchanged base first): chr9-130884924-CA-C. GRCh37 (hg19) VCF-style: chr9-133760311-CA-C.
Other names: c.2693del, p.Lys898fs (NM_007313.3); short protein forms K879fs, K898fs.
Identifiers: ClinVar variation 3367569 (VCV003367569.1).

ClinVar aggregate classification (germline): Uncertain significance (1 of 4 stars; one submission).

Submission:

GeneDx
Classification: Uncertain significance. Last evaluated: 2024-01-07. Review status: criteria provided, single submitter. Criteria: GeneDx Variant Classification Process June 2021. Collection method: clinical testing. Allele origin: germline. Affected: yes.
Comment: Frameshift variant predicted to result in abnormal protein length as the last 252 amino acids are replaced with 62 different amino acids; Not observed at significant frequency in large population cohorts (gnomAD); Has not been previously published as pathogenic or benign to our knowledge